The following is an entry in ClinVar:

NM_001098426.2(SMARCD2):c.274C>T (p.Pro92Ser)

Gene: SMARCD2 (SWI/SNF related BAF chromatin remodeling complex subunit D2; minus strand). Cytogenetic location: 17q23.3.
Variant type: single nucleotide variant.
Coding change: c.274C>T on transcript NM_001098426.2 (MANE Select); coding-DNA position 274, C replaced by T.
Protein change: p.Pro92Ser; replaces proline 92 with serine.
Molecular consequence: missense variant.
Genome position (GRCh38, 1-based): chr17:63,837,568, G>A on the plus strand (C>T on the coding strand, the complement: SMARCD2 is on the minus strand). VCF-style: chr17-63837568-G-A. GRCh37 (hg19) VCF-style: chr17-61914928-G-A.
Other names: c.49C>T, p.Pro17Ser (NM_001330439.1); c.130C>T, p.Pro44Ser (NM_001330440.2); short protein forms P17S, P44S, P92S.
Identifiers: ClinVar variation 1023390 (VCV001023390.6), dbSNP rs761403199, ClinGen allele CA8706537.

ClinVar aggregate classification (germline): Uncertain significance (1 of 4 stars; one submission).

Allele frequency attached by ClinVar (database versions not stated): gnomAD exomes 0.00001; TOPMed 0.00001; ExAC 0.00002.

Submission:

Labcorp Genetics (formerly Invitae), Labcorp
Classification: Uncertain significance. Last evaluated: 2022-02-10. Review status: criteria provided, single submitter. Criteria: Invitae Variant Classification Sherloc (09022015). Collection method: clinical testing. Allele origin: germline.
Comment: This sequence change replaces proline, which is neutral and non-polar, with serine, which is neutral and polar, at codon 92 of the SMARCD2 protein (p.Pro92Ser). This variant is present in population databases (rs761403199, gnomAD 0.009%). This variant has not been reported in the literature in individuals affected with SMARCD2-related conditions. ClinVar contains an entry for this variant (Variation ID: 1023390). Algorithms developed to predict the effect of missense changes on protein structure and function are either unavailable or do not agree on the potential impact of this missense change (SIFT: "Tolerated"; PolyPhen-2: "Probably Damaging"; Align-GVGD: "Class C0"). In summary, the available evidence is currently insufficient to determine the role of this variant in disease. Therefore, it has been classified as a Variant of Uncertain Significance.